The following is an entry in ClinVar:

ClinVar aggregate classification (germline): Uncertain significance (1 of 4 stars; one submission).

Conditions:
Hereditary cancer-predisposing syndrome. Also called: Hereditary Cancer Syndrome; Neoplastic Syndromes, Hereditary; Tumor predisposition; Hereditary neoplastic syndrome. Identifiers: Orphanet 140162, MedGen C0027672, MeSH D009386, MONDO:0015356.

Allele frequency attached by ClinVar (database versions not stated): gnomAD exomes 0.00001.

Submission:

Ambry Genetics
Classification: Uncertain significance for Hereditary cancer-predisposing syndrome. Last evaluated: 2020-08-10. Review status: criteria provided, single submitter. Criteria: Ambry Variant Classification Scheme 2023. Collection method: clinical testing. Allele origin: germline.
Comment: The p.S1631C variant (also known as c.4892C>G), located in coding exon 22 of the DICER1 gene, results from a C to G substitution at nucleotide position 4892. The serine at codon 1631 is replaced by cysteine, an amino acid with dissimilar properties. This amino acid position is not well conserved in available vertebrate species. In addition, this alteration is predicted to be tolerated by in silico analysis. Since supporting evidence is limited at this time, the clinical significance of this alteration remains unclear.

NM_177438.3(DICER1):c.4892C>G (p.Ser1631Cys)

Gene: DICER1 (dicer 1, ribonuclease III; minus strand). Cytogenetic location: 14q32.13.
Variant type: single nucleotide variant.
Coding change: c.4892C>G on transcript NM_177438.3 (MANE Select); coding-DNA position 4892, C replaced by G.
Protein change: p.Ser1631Cys; replaces serine 1631 with cysteine.
Molecular consequence: missense variant. On other transcripts: non-coding transcript variant (6).
Genome position (GRCh38, 1-based): chr14:95,096,028, G>C on the plus strand (C>G on the coding strand, the complement: DICER1 is on the minus strand). VCF-style: chr14-95096028-G-C. GRCh37 (hg19) VCF-style: chr14-95562365-G-C.
Other names: c.4892C>G, p.Ser1631Cys (NM_001195573.1, NM_001271282.3, NM_001291628.2 and 13 more transcripts); c.4610C>G, p.Ser1537Cys (NM_001395686.1); c.4487C>G, p.Ser1496Cys (NM_001395687.1, NM_001395688.1, NM_001395689.1 and 2 more transcripts); c.4325C>G, p.Ser1442Cys (NM_001395691.1); c.3209C>G, p.Ser1070Cys (NM_001395697.1); short protein forms S1442C, S1537C, S1070C, S1631C, S1496C.
Identifiers: ClinVar variation 1743867 (VCV001743867.2), dbSNP rs1595338686, ClinGen allele CA390866446.